The following is an entry in ClinVar:

ClinVar aggregate classification (germline): Uncertain significance (1 of 4 stars; one submission).

Submission:

GeneDx
Classification: Uncertain significance. Last evaluated: 2021-07-02. Review status: criteria provided, single submitter. Criteria: GeneDx Variant Classification Process June 2021. Collection method: clinical testing. Allele origin: germline. Affected: yes.
Comment: Not observed at significant frequency in large population cohorts (Lek et al., 2016); In silico analysis supports that this missense variant does not alter protein structure/function; Has not been previously published as pathogenic or benign to our knowledge; This variant is associated with the following publications: (PMID: 27535533)

NM_005334.3(HCFC1):c.3122C>T (p.Pro1041Leu)

Gene: HCFC1 (host cell factor C1; minus strand). Cytogenetic location: Xq28.
Variant type: single nucleotide variant.
Coding change: c.3122C>T on transcript NM_005334.3 (MANE Select); coding-DNA position 3122, C replaced by T.
Protein change: p.Pro1041Leu; replaces proline 1041 with leucine.
Molecular consequence: missense variant.
Genome position (GRCh38, 1-based): chrX:153,955,277, G>A on the plus strand (C>T on the coding strand, the complement: HCFC1 is on the minus strand). VCF-style: chrX-153955277-G-A. GRCh37 (hg19) VCF-style: chrX-153220728-G-A.
Other names: short protein forms P1041L.
Identifiers: ClinVar variation 1331189 (VCV001331189.2), dbSNP rs2148574823, ClinGen allele CA415126048.